The following is an entry in ClinVar:

NC_012920.1(MT-ND2):m.4579T>C

Gene: MT-ND2 (mitochondrially encoded NADH dehydrogenase 2; plus strand).
Variant type: single nucleotide variant.
Genome position: chrM-4579-T-C.
Identifiers: ClinVar variation 692464 (VCV000692464.1), dbSNP rs1603219517, ClinGen allele CA414774796.

ClinVar aggregate classification (germline): Uncertain significance (1 of 4 stars; one submission).

Conditions:
Leigh syndrome (NULS). Also called: Leigh's necrotizing encephalopathy; Leigh's disease; Leigh Syndrome (mtDNA deletion); Leigh Disease; Subacute necrotizing encephalopathy; Necrotizing encephalopathy infantile subacute of Leigh. Identifiers: Orphanet 506, MedGen C2931891, MONDO:0009723, OMIM 256000.

Submission:

Wong Mito Lab, Molecular and Human Genetics, Baylor College of Medicine
Classification: Uncertain significance for Leigh syndrome. Last evaluated: 2019-10-17. Review status: criteria provided, single submitter. Criteria: Modified ACMG Guidelines (Unpublished). Collection method: clinical testing. Allele origin: germline.
Comment: The NC_012920.1:m.4579T>C (YP_003024027.1:p.Met37Thr) variant in MTND2 gene is interpretated to be a Uncertain Significance variant based on the modified ACMG guidelines (unpublished). This variant meets the following evidence codes: BP4